The following is an entry in ClinVar:

NM_005591.4(MRE11):c.2109A>C (p.Leu703Phe)

Gene: MRE11 (MRE11 homolog, double strand break repair nuclease; minus strand). Cytogenetic location: 11q21.
Variant type: single nucleotide variant.
Coding change: c.2109A>C on transcript NM_005591.4 (MANE Select); coding-DNA position 2109, A replaced by C.
Protein change: p.Leu703Phe; replaces leucine 703 with phenylalanine.
Molecular consequence: missense variant.
Genome position (GRCh38, 1-based): chr11:94,420,143, T>G on the plus strand (A>C on the coding strand, the complement: MRE11 is on the minus strand). VCF-style: chr11-94420143-T-G. GRCh37 (hg19) VCF-style: chr11-94153309-T-G.
Other names: c.2106A>C, p.Leu702Phe (NM_001330347.2); c.2025A>C, p.Leu675Phe (NM_005590.4); short protein forms L675F, L702F, L703F.
Identifiers: ClinVar variation 863608 (VCV000863608.7), dbSNP rs1330929173, ClinGen allele CA382372536.

ClinVar aggregate classification (germline): Uncertain significance (1 of 4 stars; one submission).

Conditions:
Ataxia-telangiectasia-like disorder (ATLD). Identifiers: MedGen C1858391, MONDO:0011457.

Allele frequency attached by ClinVar (database versions not stated): gnomAD exomes below 0.00001; gnomAD 0.00001; TOPMed 0.00001.
gnomAD v4.1: 2 of 1,579,028 alleles (0.00013%); highest among the groups gnomAD compares: Non-Finnish European, 0.000087%; no homozygotes.

Submission:

Labcorp Genetics (formerly Invitae), Labcorp
Classification: Uncertain significance for Ataxia-telangiectasia-like disorder. Last evaluated: 2021-08-27. Review status: criteria provided, single submitter. Criteria: Invitae Variant Classification Sherloc (09022015). Collection method: clinical testing. Allele origin: germline.
Comment: This sequence change replaces leucine with phenylalanine at codon 703 of the MRE11 protein (p.Leu703Phe). The leucine residue is weakly conserved and there is a small physicochemical difference between leucine and phenylalanine. This variant is not present in population databases (ExAC no frequency). This variant has not been reported in the literature in individuals affected with MRE11-related conditions. Algorithms developed to predict the effect of missense changes on protein structure and function output the following: SIFT: "Tolerated"; PolyPhen-2: "Benign"; Align-GVGD: "Class C0". The phenylalanine amino acid residue is found in multiple mammalian species, which suggests that this missense change does not adversely affect protein function. In summary, the available evidence is currently insufficient to determine the role of this variant in disease. Therefore, it has been classified as a Variant of Uncertain Significance.